The following is an entry in ClinVar:

NM_015046.7(SETX):c.4739G>A (p.Arg1580His)

Gene: SETX (senataxin; minus strand). Cytogenetic location: 9q34.13.
Variant type: single nucleotide variant.
Coding change: c.4739G>A on transcript NM_015046.7 (MANE Select); coding-DNA position 4739, G replaced by A.
Protein change: p.Arg1580His; replaces arginine 1580 with histidine.
Molecular consequence: missense variant.
Genome position (GRCh38, 1-based): chr9:132,326,859, C>T on the plus strand (G>A on the coding strand, the complement: SETX is on the minus strand). VCF-style: chr9-132326859-C-T. GRCh37 (hg19) VCF-style: chr9-135202246-C-T.
Other names: c.4739G>A, p.Arg1580His (NM_001351527.2, NM_001351528.2); short protein forms R1580H.
Identifiers: ClinVar variation 2684370 (VCV002684370.1), dbSNP rs1846818781, ClinGen allele CA375324633.

ClinVar aggregate classification (germline): Uncertain significance (1 of 4 stars; one submission).

Allele frequency attached by ClinVar (database versions not stated): gnomAD exomes below 0.00001; TOPMed below 0.00001.
gnomAD v4.1: 4 of 1,614,184 alleles (0.00025%); highest among the groups gnomAD compares: African/African-American, 0.0027%; no homozygotes.

Submission:

Athena Diagnostics
Classification: Uncertain significance. Last evaluated: 2023-02-01. Review status: criteria provided, single submitter. Criteria: Athena Diagnostics Criteria. Collection method: clinical testing. Allele origin: unknown.
Comment: Available data are insufficient to determine the clinical significance of the variant at this time. This variant has not been reported in large, multi-ethnic general populations. Computational tools disagree on the variant's effect on normal protein function.